The following is an entry in ClinVar:

ClinVar aggregate classification (germline): Pathogenic (1 of 4 stars; one submission).

Conditions:
Pheochromocytoma/paraganglioma syndrome 4. Also called: CAROTID BODY TUMORS AND MULTIPLE EXTRAADRENAL PHEOCHROMOCYTOMAS; SDHB-Related Hereditary Paraganglioma-Pheochromocytoma Syndrome; Paragangliomas 4; SDHB-Related Hereditary Paraganglioma-Pheochromocytoma Syndrome (Paragangliomas 4); PARAGANGLIOMA, FAMILIAL MALIGNANT; PARAGANGLIOMAS, HEREDITARY EXTRAADRENAL. Identifiers: Orphanet 29072, MedGen C1861848, MONDO:0007273, OMIM 115310.
Gastrointestinal stromal tumor. Also called: Gastrointestinal stromal tumor, somatic; Gastrointestinal stroma tumor. Identifiers: Orphanet 44890, MedGen C0238198, MeSH D046152, MONDO:0011719, OMIM 606764, HP:0100723.
Pheochromocytoma. Also called: MAX-Related Hereditary Paraganglioma-Pheochromocytoma Syndrome. Identifiers: Orphanet 29072, MedGen C0031511, MONDO:0008233, OMIM 171300, HP:0002666.

Submission:

Labcorp Genetics (formerly Invitae), Labcorp
Classification: Pathogenic for Gastrointestinal stromal tumor; Pheochromocytoma/paraganglioma syndrome 4; Pheochromocytoma. Last evaluated: 2019-11-01. Review status: criteria provided, single submitter. Criteria: Invitae Variant Classification Sherloc (09022015). Collection method: clinical testing. Allele origin: germline.
Comment: This variant is not present in population databases (ExAC no frequency). This sequence change creates a premature translational stop signal (p.Tyr45*) in the SDHB gene. It is expected to result in an absent or disrupted protein product. This variant has not been reported in the literature in individuals with SDHB-related conditions. Algorithms developed to predict the effect of sequence changes on RNA splicing suggest that this variant may create or strengthen a splice site, but this prediction has not been confirmed by published transcriptional studies. Loss-of-function variants in SDHB are known to be pathogenic (PMID: 19454582, 19802898). For these reasons, this variant has been classified as Pathogenic.

Literature cited by the submitters: PubMed 19454582; PubMed 19802898.

NM_003000.3(SDHB):c.135T>G (p.Tyr45Ter)

Gene: SDHB (succinate dehydrogenase complex iron sulfur subunit B; minus strand). Cytogenetic location: 1p36.13.
Variant type: single nucleotide variant.
Coding change: c.135T>G on transcript NM_003000.3 (MANE Select); coding-DNA position 135, T replaced by G.
Protein change: p.Tyr45Ter; replaces tyrosine 45 with a stop codon.
Molecular consequence: nonsense.
Genome position (GRCh38, 1-based): chr1:17,044,826, A>C on the plus strand (T>G on the coding strand, the complement: SDHB is on the minus strand). VCF-style: chr1-17044826-A-C. GRCh37 (hg19) VCF-style: chr1-17371321-A-C.
Other names: short protein forms Y45*.
Identifiers: ClinVar variation 967746 (VCV000967746.7), dbSNP rs1351034939, ClinGen allele CA338228102.